The following is an entry in ClinVar:

NM_000093.5(COL5A1):c.4245G>C (p.Leu1415Phe)

Gene: COL5A1 (collagen type V alpha 1 chain; plus strand). Cytogenetic location: 9q34.3.
Variant type: single nucleotide variant.
Coding change: c.4245G>C on transcript NM_000093.5 (MANE Select); coding-DNA position 4245, G replaced by C.
Protein change: p.Leu1415Phe; replaces leucine 1415 with phenylalanine.
Molecular consequence: missense variant.
Genome position (GRCh38, 1-based): chr9:134,818,670, G>C. VCF-style: chr9-134818670-G-C. GRCh37 (hg19) VCF-style: chr9-137710516-G-C.
Other names: c.4245G>C, p.Leu1415Phe (NM_001278074.1); short protein forms L1415F.
Identifiers: ClinVar variation 2112216 (VCV002112216.4), dbSNP rs768545195, ClinGen allele CA375457122.
Genomic context (GRCh38, chr9:134,818,670, plus strand): 5'-GGAGCCTAGAGCTCCGGACCTCATTCTGCCCTCCGCCGTCCTGCAGGGAGAAGCCGGCTT[G>C]GAAGGCCCTCCTGGGAAGACTGGCCCCATCGGCCCCCAGGGGGCCCCTGGGAAGCCCGGA-3'
Protein context (NP_000084.3, residues 1405-1425): GEKGAKGEAG[Leu1415Phe]EGPPGKTGPI

ClinVar aggregate classification (germline): Uncertain significance (1 of 4 stars; one submission).

Conditions:
Ehlers-Danlos syndrome, classic type, 1 (EDSCL1). Also called: EHLERS-DANLOS SYNDROME, GRAVIS TYPE; EHLERS-DANLOS SYNDROME, SEVERE CLASSIC TYPE; Ehlers-Danlos syndrome, type 1; EDS I; Ehlers-Danlos Syndrome, Classic Type, COL5A1-Related. Identifiers: MedGen C0268335, MONDO:0019567, OMIM 130000.

Submission:

Labcorp Genetics (formerly Invitae), Labcorp
Classification: Uncertain significance for Ehlers-Danlos syndrome, classic type, 1. Last evaluated: 2022-03-14. Review status: criteria provided, single submitter. Criteria: Invitae Variant Classification Sherloc (09022015). Collection method: clinical testing. Allele origin: germline.
Comment: In summary, the available evidence is currently insufficient to determine the role of this variant in disease. Therefore, it has been classified as a Variant of Uncertain Significance. Advanced modeling of protein sequence and biophysical properties (such as structural, functional, and spatial information, amino acid conservation, physicochemical variation, residue mobility, and thermodynamic stability) performed at Invitae indicates that this missense variant is not expected to disrupt COL5A1 protein function. This variant has not been reported in the literature in individuals affected with COL5A1-related conditions. This variant is not present in population databases (gnomAD no frequency). This sequence change replaces leucine, which is neutral and non-polar, with phenylalanine, which is neutral and non-polar, at codon 1415 of the COL5A1 protein (p.Leu1415Phe).